The following is an entry in ClinVar:

NM_019079.5(L1TD1):c.1590C>T (p.His530=)

Gene: L1TD1 (LINE1 type transposase domain containing 1; plus strand). Cytogenetic location: 1p31.3.
Variant type: single nucleotide variant.
Coding change: c.1590C>T on transcript NM_019079.5 (MANE Select); coding-DNA position 1590, C replaced by T.
Protein change: p.His530=; no amino-acid change (histidine 530 retained).
Molecular consequence: synonymous variant.
Genome position (GRCh38, 1-based): chr1:62,210,364, C>T. VCF-style: chr1-62210364-C-T. GRCh37 (hg19) VCF-style: chr1-62676036-C-T.
Other names: c.1590C>T, p.His530= (NM_001164835.2).
Identifiers: ClinVar variation 2638859 (VCV002638859.24), dbSNP rs1240238186, ClinGen allele CA418184187.

ClinVar aggregate classification (germline): Likely benign (1 of 4 stars; one submission).

Allele frequency attached by ClinVar (database versions not stated): gnomAD 0.00001; gnomAD exomes 0.00001; TOPMed 0.00001.
gnomAD v4.1: 16 of 1,613,648 alleles (0.00099%); highest among the groups gnomAD compares: Middle Eastern, 0.033%; no homozygotes.

Submission:

CeGaT Center for Human Genetics Tuebingen
Classification: Likely benign. Last evaluated: 2022-09-01. Review status: criteria provided, single submitter. Criteria: CeGaT Center For Human Genetics Tuebingen Variant Classification Criteria Version 2. Collection method: clinical testing. Allele origin: germline. Affected: yes. Observed: 1 variant allele.
Comment: L1TD1: BP4, BP7